The following is an entry in ClinVar:

NM_032387.5(WNK4):c.1255G>A (p.Glu419Lys)

Gene: WNK4 (WNK lysine deficient protein kinase 4; plus strand). Cytogenetic location: 17q21.2.
Variant type: single nucleotide variant.
Coding change: c.1255G>A on transcript NM_032387.5 (MANE Select); coding-DNA position 1255, G replaced by A.
Protein change: p.Glu419Lys; replaces glutamic acid 419 with lysine.
Molecular consequence: missense variant. On other transcripts: intron variant (1).
Genome position (GRCh38, 1-based): chr17:42,785,181, G>A. VCF-style: chr17-42785181-G-A. GRCh37 (hg19) VCF-style: chr17-40937199-G-A.
Other names: c.252-85G>A (NM_001321299.2); short protein forms E419K.
Identifiers: ClinVar variation 4778326 (VCV004778326.1).

ClinVar aggregate classification (germline): Uncertain significance (1 of 4 stars; one submission).

gnomAD v4.1: 1 of 1,613,758 alleles (0.000062%); highest among the groups gnomAD compares: South Asian, 0.0011%; no homozygotes.

Submission:

Labcorp Genetics (formerly Invitae), Labcorp
Classification: Uncertain significance. Last evaluated: 2025-03-26. Review status: criteria provided, single submitter. Criteria: Invitae Variant Classification Sherloc (09022015). Collection method: clinical testing. Allele origin: germline.
Comment: This sequence change replaces glutamic acid, which is acidic and polar, with lysine, which is basic and polar, at codon 419 of the WNK4 protein (p.Glu419Lys). This variant is not present in population databases (gnomAD no frequency). This variant has not been reported in the literature in individuals affected with WNK4-related conditions. Experimental studies and prediction algorithms are not available or were not evaluated, and the functional significance of this variant is currently unknown. In summary, the available evidence is currently insufficient to determine the role of this variant in disease. Therefore, it has been classified as a Variant of Uncertain Significance.